The following is an entry in ClinVar:

NM_001458.5(FLNC):c.4914G>T (p.Lys1638Asn)

Gene: FLNC (filamin C; plus strand). Cytogenetic location: 7q32.1.
Variant type: single nucleotide variant.
Coding change: c.4914G>T on transcript NM_001458.5 (MANE Select); coding-DNA position 4914, G replaced by T.
Protein change: p.Lys1638Asn; replaces lysine 1638 with asparagine.
Molecular consequence: missense variant.
Genome position (GRCh38, 1-based): chr7:128,848,969, G>T. VCF-style: chr7-128848969-G-T. GRCh37 (hg19) VCF-style: chr7-128489023-G-T.
Other names: c.4914G>T, p.Lys1638Asn (NM_001127487.2); short protein forms K1638N.
Identifiers: ClinVar variation 2060451 (VCV002060451.4), dbSNP rs371385321, ClinGen allele CA4475477.

ClinVar aggregate classification (germline): Uncertain significance (1 of 4 stars; one submission).

Conditions:
Myofibrillar myopathy 5. Also called: Filaminopathy (type); FILAMINOPATHY, AUTOSOMAL DOMINANT. Identifiers: Orphanet 171445, MedGen C1836050, MONDO:0012289, OMIM 609524.
Hypertrophic cardiomyopathy 26. Also called: Cardiomyopathy, familial hypertrophic, 26. Identifiers: Orphanet 75249, MedGen C4310749, MONDO:0014883, OMIM 617047.
Distal myopathy with posterior leg and anterior hand involvement. Also called: WILLIAMS DISTAL MYOPATHY. Identifiers: Orphanet 63273, MedGen C3279722, MONDO:0013550, OMIM 614065.

gnomAD v4.1: 3 of 1,611,868 alleles (0.00019%); highest among the groups gnomAD compares: Admixed American, 0.005%; no homozygotes.

Submission:

Labcorp Genetics (formerly Invitae), Labcorp
Classification: Uncertain significance for Distal myopathy with posterior leg and anterior hand involvement; Myofibrillar myopathy 5; Hypertrophic cardiomyopathy 26. Last evaluated: 2023-08-14. Review status: criteria provided, single submitter. Criteria: Invitae Variant Classification Sherloc (09022015). Collection method: clinical testing. Allele origin: germline.
Comment: This sequence change replaces lysine, which is basic and polar, with asparagine, which is neutral and polar, at codon 1638 of the FLNC protein (p.Lys1638Asn). This variant is present in population databases (rs371385321, gnomAD 0.009%). This variant has not been reported in the literature in individuals affected with FLNC-related conditions. ClinVar contains an entry for this variant (Variation ID: 2060451). Advanced modeling of protein sequence and biophysical properties (such as structural, functional, and spatial information, amino acid conservation, physicochemical variation, residue mobility, and thermodynamic stability) has been performed at Invitae for this missense variant, however the output from this modeling did not meet the statistical confidence thresholds required to predict the impact of this variant on FLNC protein function. In summary, the available evidence is currently insufficient to determine the role of this variant in disease. Therefore, it has been classified as a Variant of Uncertain Significance.